The following is an entry in ClinVar:

ClinVar aggregate classification (germline): Uncertain significance. Review status: criteria provided, multiple submitters, no conflicts (2 of 4 stars). 2 submissions from 2 submitters: Uncertain significance (2). Last evaluated 2024-05-14.

Conditions:
Hereditary cancer-predisposing syndrome. Also called: Hereditary Cancer Syndrome; Hereditary neoplastic syndrome; Neoplastic Syndromes, Hereditary; Tumor predisposition. Identifiers: Orphanet 140162, MedGen C0027672, MeSH D009386, MONDO:0015356.
Bloom syndrome (BLM). Also called: Bloom-Torre-Machacek syndrome. Identifiers: Orphanet 125, MedGen C0005859, MONDO:0008876, OMIM 210900.

Submissions (2):

Labcorp Genetics (formerly Invitae), Labcorp
Classification: Uncertain significance for Bloom syndrome. Last evaluated: 2024-05-14. Review status: criteria provided, single submitter. Criteria: Invitae Variant Classification Sherloc (09022015). Collection method: clinical testing. Allele origin: germline.
Comment: This sequence change replaces cysteine, which is neutral and slightly polar, with tyrosine, which is neutral and polar, at codon 444 of the BLM protein (p.Cys444Tyr). This variant is not present in population databases (gnomAD no frequency). This variant has not been reported in the literature in individuals affected with BLM-related conditions. ClinVar contains an entry for this variant (Variation ID: 1770153). Advanced modeling of protein sequence and biophysical properties (such as structural, functional, and spatial information, amino acid conservation, physicochemical variation, residue mobility, and thermodynamic stability) performed at Invitae indicates that this missense variant is not expected to disrupt BLM protein function with a negative predictive value of 80%. In summary, the available evidence is currently insufficient to determine the role of this variant in disease. Therefore, it has been classified as a Variant of Uncertain Significance.

Ambry Genetics
Classification: Uncertain significance for Hereditary cancer-predisposing syndrome. Last evaluated: 2020-01-20. Review status: criteria provided, single submitter. Criteria: Ambry Variant Classification Scheme 2023. Collection method: clinical testing. Allele origin: germline.
Comment: The p.C444Y variant (also known as c.1331G>A), located in coding exon 6 of the BLM gene, results from a G to A substitution at nucleotide position 1331. The cysteine at codon 444 is replaced by tyrosine, an amino acid with highly dissimilar properties. This amino acid position is not well conserved in available vertebrate species. In addition, this alteration is predicted to be tolerated by in silico analysis. Since supporting evidence is limited at this time, the clinical significance of this alteration remains unclear.

NM_000057.4(BLM):c.1331G>A (p.Cys444Tyr)

Gene: BLM (BLM RecQ like helicase; plus strand). Cytogenetic location: 15q26.1.
Variant type: single nucleotide variant.
Coding change: c.1331G>A on transcript NM_000057.4 (MANE Select); coding-DNA position 1331, G replaced by A.
Protein change: p.Cys444Tyr; replaces cysteine 444 with tyrosine.
Molecular consequence: missense variant.
Genome position (GRCh38, 1-based): chr15:90,760,704, G>A. VCF-style: chr15-90760704-G-A. GRCh37 (hg19) VCF-style: chr15-91303934-G-A.
Other names: c.1331G>A, p.Cys444Tyr (NM_001287246.2, NM_001287247.2); c.206G>A, p.Cys69Tyr (NM_001287248.2); short protein forms C444Y, C69Y.
Identifiers: ClinVar variation 1770153 (VCV001770153.6), dbSNP rs1555419834, ClinGen allele CA393842828.